The following is an entry in ClinVar:

ClinVar aggregate classification (germline): Benign (1 of 4 stars; one submission).

Conditions:
Miller syndrome (POADS). Also called: GENEE-WIEDEMANN SYNDROME; Genee-Wiedemann acrofacial dysostosis. Identifiers: Orphanet 246, MedGen C0265257, MONDO:0009903, OMIM 263750.

Allele frequency attached by ClinVar (database versions not stated): gnomAD 0.01428 and 0.01533; 1000 Genomes Project 30x 0.01499; 1000 Genomes Project 0.01538; TOPMed 0.01566.

Submission:

Illumina Laboratory Services, Illumina
Classification: Benign for Miller syndrome. Last evaluated: 2018-01-12. Review status: criteria provided, single submitter. Criteria: ICSL Variant Classification Criteria 13 December 2019. Collection method: clinical testing. Allele origin: germline.
Comment: This variant was observed in the ICSL laboratory as part of a predisposition screen in an ostensibly healthy population. It had not been previously curated by ICSL or reported in the Human Gene Mutation Database (HGMD: prior to June 1st, 2018), and was therefore a candidate for classification through an automated scoring system. Utilizing variant allele frequency, disease prevalence and penetrance estimates, and inheritance mode, an automated score was calculated to assess if this variant is too frequent to cause the disease. Based on the score and internal cut-off values, a variant classified as benign is not then subjected to further curation. The score for this variant resulted in a classification of benign for this disease.

NM_001361.5(DHODH):c.*1014C>T

Gene: DHODH (dihydroorotate dehydrogenase (quinone); plus strand). Cytogenetic location: 16q22.2.
Variant type: single nucleotide variant.
Coding change: c.*1014C>T on transcript NM_001361.5 (MANE Select); 1014 bases downstream of the stop codon, C replaced by T.
Molecular consequence: 3 prime UTR variant.
Genome position (GRCh38, 1-based): chr16:72,025,213, C>T. VCF-style: chr16-72025213-C-T. GRCh37 (hg19) VCF-style: chr16-72059112-C-T.
Identifiers: ClinVar variation 320457 (VCV000320457.5), dbSNP rs79926352, ClinGen allele CA10648916.